The following is an entry in ClinVar:

NM_004525.3(LRP2):c.8243G>C (p.Cys2748Ser)

Gene: LRP2 (LDL receptor related protein 2; minus strand). Cytogenetic location: 2q31.1.
Variant type: single nucleotide variant.
Coding change: c.8243G>C on transcript NM_004525.3 (MANE Select); coding-DNA position 8243, G replaced by C.
Protein change: p.Cys2748Ser; replaces cysteine 2748 with serine.
Molecular consequence: missense variant.
Genome position (GRCh38, 1-based): chr2:169,201,837, C>G on the plus strand (G>C on the coding strand, the complement: LRP2 is on the minus strand). VCF-style: chr2-169201837-C-G. GRCh37 (hg19) VCF-style: chr2-170058347-C-G.
Other names: short protein forms C2748S.
Identifiers: ClinVar variation 2814516 (VCV002814516.3), dbSNP rs2545795422, ClinGen allele CA349165756.

ClinVar aggregate classification (germline): Uncertain significance (1 of 4 stars; one submission).

Submission:

Labcorp Genetics (formerly Invitae), Labcorp
Classification: Uncertain significance. Last evaluated: 2025-07-31. Review status: criteria provided, single submitter. Criteria: Invitae Variant Classification Sherloc (09022015). Collection method: clinical testing. Allele origin: germline.
Comment: This sequence change replaces cysteine, which is neutral and slightly polar, with serine, which is neutral and polar, at codon 2748 of the LRP2 protein (p.Cys2748Ser). This variant is not present in population databases (gnomAD no frequency). This variant has not been reported in the literature in individuals affected with LRP2-related conditions. ClinVar contains an entry for this variant (Variation ID: 2814516). Invitae Evidence Modeling of protein sequence and biophysical properties (such as structural, functional, and spatial information, amino acid conservation, physicochemical variation, residue mobility, and thermodynamic stability) indicates that this missense variant is expected to disrupt LRP2 protein function with a positive predictive value of 80%. In summary, the available evidence is currently insufficient to determine the role of this variant in disease. Therefore, it has been classified as a Variant of Uncertain Significance.